The following is an entry in ClinVar:

NM_024675.4(PALB2):c.3323del (p.Tyr1108fs)

Gene: PALB2 (partner and localizer of BRCA2; minus strand). Cytogenetic location: 16p12.2.
Variant type: Deletion.
Coding change: c.3323del on transcript NM_024675.4 (MANE Select); coding-DNA position 3323, one base deleted (A; older notation c.3323delA).
Protein change: p.Tyr1108fs; shifts the reading frame from tyrosine 1108.
Molecular consequence: frameshift variant.
Genome position (GRCh38, 1-based): chr16:23,607,891, T deleted on the plus strand (A on the coding strand, the reverse complement: PALB2 is on the minus strand). VCF-style (leftmost placement, unchanged base first): chr16-23607890-GT-G. GRCh37 (hg19) VCF-style: chr16-23619211-GT-G.
Other names: c.3323delA (NM_024675.3, NM_024675.4).
Identifiers: ClinVar variation 126734 (VCV000126734.43), dbSNP rs180177135, ClinGen allele CA169555.

ClinVar aggregate classification (germline): Pathogenic/Likely pathogenic. Review status: criteria provided, multiple submitters, no conflicts (2 of 4 stars). 22 submissions from 22 submitters: Pathogenic (18); Likely pathogenic (1). 3 of the submissions do not count toward it. Last evaluated 2026-04-29.

Conditions:
PALB2-related disorder. Also called: PALB2-related disorders; PALB2-related condition.
Breast-ovarian cancer, familial, susceptibility to, 5 (BROVCA5). Identifiers: MedGen C5830615, MONDO:0957530, OMIM 620442.
Inherited breast cancer and ovarian cancer.
Familial cancer of breast. Also called: hereditary breast carcinoma; Hereditary breast cancer; BREAST CANCER, FAMILIAL. Identifiers: Orphanet 227535, MedGen C0346153, MONDO:0016419, OMIM 114480. Disease mechanism: loss of function.
Fanconi anemia complementation group N. Also called: PALB2-Related Fanconi Anemia. Identifiers: Orphanet 84, MedGen C1835817, MONDO:0012565, OMIM 610832. Disease mechanism: loss of function.
Pancreatic cancer, susceptibility to, 3. Identifiers: Orphanet 1333, MedGen C3150547, MONDO:0013236, OMIM 613348.
Hereditary cancer-predisposing syndrome. Also called: Neoplastic Syndromes, Hereditary; Tumor predisposition; Hereditary Cancer Syndrome; Hereditary neoplastic syndrome. Identifiers: Orphanet 140162, MedGen C0027672, MeSH D009386, MONDO:0015356.
Hereditary breast ovarian cancer syndrome. Also called: BRCA1- and BRCA2-Associated Hereditary Breast and Ovarian Cancer; Hereditary breast and ovarian cancer; Hereditary breast and ovarian cancer syndrome; Hereditary breast and ovarian cancer syndrome (HBOC); Breast and ovarian cancer; Hereditary breast and/or ovarian cancer syndrome. Identifiers: Orphanet 145, MedGen C0677776, MeSH D061325, MONDO:0003582. Disease mechanism: loss of function.
Malignant tumor of breast. Also called: Cancer breast; Malignant breast neoplasm. Identifiers: MedGen C0006142, MONDO:0007254. Disease mechanism: loss of function.

Allele frequency attached by ClinVar (database versions not stated): gnomAD exomes below 0.00001; gnomAD 0.00002; TOPMed 0.00003.

Submissions 1 to 8 of 22:

Genetics Laboratory, Great Ormond Street Hospital NHS Foundation Trust, North Thames Genomic Laboratory Hub
Classification: Likely pathogenic for Inherited breast cancer and ovarian cancer. Last evaluated: 2026-04-29. Review status: criteria provided, single submitter. Criteria: CanVIG PALB2 Gene Specific V1.2. Collection method: clinical testing. Allele origin: germline. Affected: yes.
Comment: PVS1_very-strong, PM5_supporting

Labcorp Genetics (formerly Invitae), Labcorp
Classification: Pathogenic for Familial cancer of breast. Last evaluated: 2026-01-20. Review status: criteria provided, single submitter. Criteria: Invitae Variant Classification Sherloc (09022015). Collection method: clinical testing. Allele origin: germline.
Comment: This sequence change creates a premature translational stop signal (p.Tyr1108Serfs*16) in the PALB2 gene. While this is not anticipated to result in nonsense mediated decay, it is expected to disrupt the last 79 amino acid(s) of the PALB2 protein. This variant is not present in population databases (gnomAD no frequency). This premature translational stop signal has been observed in individual(s) with breast cancer and Fanconi anemia (PMID: 17200671, 25452441, 26845104). In at least one individual the data is consistent with being in trans (on the opposite chromosome) from a pathogenic variant. ClinVar contains an entry for this variant (Variation ID: 126734). Algorithms developed to predict the effect of variants on gene product structure and function are not available or were not evaluated for this variant. Experimental studies have shown that this premature translational stop signal does not substantially affect PALB2 function (PMID: 23341105). This variant disrupts a region of the PALB2 protein in which other variant(s) (p.Tyr1183*) have been determined to be pathogenic (PMID: 17200668, 17200671, 19609323, 21365267, 22241545, 26315354). This suggests that this is a clinically significant region of the protein, and that variants that disrupt it are likely to be disease-causing. For these reasons, this variant has been classified as Pathogenic.

PreventionGenetics, part of Exact Sciences
Classification: Pathogenic for PALB2-related condition. Last evaluated: 2026-01-02. Review status: criteria provided, single submitter. Criteria: ACMG Guidelines, 2015. Collection method: clinical testing. Allele origin: germline.
Comment: The PALB2 c.3323delA variant is predicted to result in a frameshift and premature protein termination (p.Tyr1108Serfs*16). This variant has been reported in the compound heterozygous state in an individual with Fanconi anemia (Reid et al. 2007. PubMed ID: 17200671) and in multiple individuals with breast cancer (Table S2, Couch et al. 2014. PubMed ID: 25452441; Table S3, Palmer et al. 2020. PubMed ID: 32427313). Functional studies found this variant resulted in a loss of homology directed repair activity (Wiltshire et al. 2019. PubMed ID: 31636395). This variant has not been reported in a large population database, indicating this variant is rare and is interpreted as pathogenic in ClinVar (Variation ID: 126734). Frameshift variants in PALB2 are expected to be pathogenic. This variant is interpreted as pathogenic.

Variantyx, Inc.
Classification: Pathogenic for Breast-ovarian cancer, familial, susceptibility to, 5. Last evaluated: 2025-03-09. Review status: criteria provided, single submitter. Criteria: Variantyx Assertion Criteria 2022. Collection method: clinical testing. Allele origin: germline. Inheritance: Autosomal dominant inheritance. Affected: yes.
Comment: This is a frameshift variant in the PALB2 gene (OMIM: 610355). Pathogenic variants in this gene have been associated with autosomal dominant susceptibility to breast and/or ovarian cancer. This variant introduces a premature termination codon in exon 11 out of 12 which is not predicted to result in nonsense-mediated mRNA decay. However, it is expected to disrupt the last 79 amino acids of the PALB2 protein which are part of the critical WD40 domain (PMID: 19609323) (PVS1). This variant is expected to result in loss of function, which is a known disease mechanism for PALB2 in this disorder (PMID: 17200668, 25099575, 31619740) (PVS1), and the variant has been reported in many unrelated affected individuals (PMID: 25452441, 32427313, 32885271). It has a 0.0080% maximum allele frequency in non-founder control populations (PM2). Based on the current evidence, this variant is classified as pathogenic for autosomal dominant susceptibility to breast and/or ovarian cancer.

Ambry Genetics
Classification: Pathogenic for Hereditary cancer-predisposing syndrome. Last evaluated: 2024-11-21. Review status: criteria provided, single submitter. Criteria: Ambry Variant Classification Scheme 2023. Collection method: clinical testing. Allele origin: germline.
Comment: The c.3323delA pathogenic mutation, located in coding exon 12 of the PALB2 gene, results from a deletion of one nucleotide at nucleotide position 3323, causing a translational frameshift with a predicted alternate stop codon (p.Y1108Sfs*16). This alteration occurs at the 3' terminus of thePALB2 gene, is not expected to trigger nonsense-mediated mRNA decay, and only impacts the last 5% of the protein. However, premature stop codons are typically deleterious in nature and the impacted region is critical for protein function (Ambry internal data). This mutation was reported in a parent of an individual with Fanconi anemia type N (Reid S et al. Nat. Genet. 2007 Feb;39:162-4). This mutation has also been reported in multiple individuals with hereditary breast cancer (Antoniou AC et al. N. Engl. J. Med. 2014 Aug;371:497-506; Couch FJ et al. J. Clin. Oncol. 2015 Feb;33:304-11; Shirts BH et al. Genet. Med. 2016 Oct;18:974-81; Crawford B et al. Breast Cancer Res. Treat. 2017 Jun;163(2):383-390; Palmer JR et al. J Natl Cancer Inst. 2020 12;112:1213-1221; Lerner-Ellis J et al. J Cancer Res Clin Oncol. 2021 Mar;147:871-879). This alteration was found to be functionally abnormal in a homology-directed DNA repair (HDR) assay (Wiltshire T et al. Genet Med. 2020 03;22:622-632). Other truncating alterations downstream have been observed in individuals with a personal and/or family history that is consistent with PALB2-related disease (Ambry internal data). This variant is considered to be rare based on population cohorts in the Genome Aggregation Database (gnomAD). Based on the supporting evidence, this alteration is interpreted as a disease-causing mutation.

Institute for Biomarker Research, Medical Diagnostic Laboratories, L.L.C.
Classification: Pathogenic for Hereditary cancer-predisposing syndrome. Last evaluated: 2024-10-01. Review status: criteria provided, single submitter. Criteria: ACMG Guidelines, 2015. Collection method: clinical testing. Allele origin: germline.
Comment: The frameshift deletion NM_024675.4(PALB2):c.3323delA (p.Tyr1108Serfs*16) has been reported to ClinVar as Pathogenic with a status of (2 stars) criteria provided, multiple submitters, no conflicts (Variation ID 126734 as of 2024-09-05). The p.Tyr1108Serfs*16 variant is novel (not in any individuals) in gnomAD. The p.Tyr1108Serfs*16 variant is novel (not in any individuals) in 1kG. This indicates that the region is critical to protein function. The p.Tyr1108Serfs*16 variant is a loss of function variant in the gene PALB2, which is intolerant of Loss of Function variants, as indicated by the presence of existing pathogenic loss of function variant NP_078951.2:p.M1V and 1109 others. For these reasons, this variant has been classified as Pathogenic.

Baylor Genetics
Classification: Pathogenic for Familial cancer of breast. Last evaluated: 2024-01-30. Review status: criteria provided, single submitter. Criteria: ACMG Guidelines, 2015. Collection method: clinical testing. Allele origin: unknown.

Illumina Laboratory Services, Illumina
Classification: Pathogenic for Hereditary cancer-predisposing syndrome. Last evaluated: 2023-11-17. Review status: criteria provided, single submitter. Criteria: ICSLVariantClassificationCriteria RUGD 01 April 2020. Collection method: clinical testing. Allele origin: unknown.
Comment: The PALB2 c.3323del p.(Tyr1108SerfsTer16) variant causes a shift in the protein reading frame that is predicted to result in premature termination of the protein. Loss of normal protein function through protein truncation is expected. This variant was identified in a homozygous state in an individual with Fanconi anemia and in a heterozygous state in breast cancer cohorts (PMID: 17200671; 25452441). Additionally, other well-known, pathogenic truncating variants have been identified downstream of this variant. Based on the available evidence, the c.3323del p.(Tyr1108SerfsTer16) variant is classified as pathogenic for PALB2-related cancer susceptibility.